The following is an entry in ClinVar:

ClinVar aggregate classification (germline): Uncertain significance (1 of 4 stars; one submission).

Conditions:
Developmental and epileptic encephalopathy. Identifiers: MedGen C5779964, MONDO:0100620.

Allele frequency attached by ClinVar (database versions not stated): gnomAD 0.00001.
gnomAD v4.1: 15 of 1,613,890 alleles (0.00093%); highest among the groups gnomAD compares: South Asian, 0.0033%; no homozygotes.

Submission:

Labcorp Genetics (formerly Invitae), Labcorp
Classification: Uncertain significance for Early-infantile DEE. Last evaluated: 2023-12-06. Review status: criteria provided, single submitter. Criteria: Invitae Variant Classification Sherloc (09022015). Collection method: clinical testing. Allele origin: germline.
Comment: This sequence change replaces threonine, which is neutral and polar, with arginine, which is basic and polar, at codon 574 of the ARHGEF15 protein (p.Thr574Arg). This variant is present in population databases (rs768707221, gnomAD 0.007%). This variant has not been reported in the literature in individuals affected with ARHGEF15-related conditions. ClinVar contains an entry for this variant (Variation ID: 1391784). An algorithm developed to predict the effect of missense changes on protein structure and function (PolyPhen-2) suggests that this variant is likely to be disruptive. In summary, the available evidence is currently insufficient to determine the role of this variant in disease. Therefore, it has been classified as a Variant of Uncertain Significance.

NM_173728.4(ARHGEF15):c.1721C>G (p.Thr574Arg)

Gene: ARHGEF15 (Rho guanine nucleotide exchange factor 15; plus strand). Cytogenetic location: 17p13.1.
Variant type: single nucleotide variant.
Coding change: c.1721C>G on transcript NM_173728.4 (MANE Select); coding-DNA position 1721, C replaced by G.
Protein change: p.Thr574Arg; replaces threonine 574 with arginine.
Molecular consequence: missense variant.
Genome position (GRCh38, 1-based): chr17:8,318,403, C>G. VCF-style: chr17-8318403-C-G. GRCh37 (hg19) VCF-style: chr17-8221721-C-G.
Other names: c.1721C>G, p.Thr574Arg (NM_025014.2); short protein forms T574R.
Identifiers: ClinVar variation 1391784 (VCV001391784.8), dbSNP rs768707221, ClinGen allele CA8375276.